The following is an entry in ClinVar:

ClinVar aggregate classification (germline): Pathogenic (1 of 4 stars; one submission).

Conditions:
Familial cancer of breast. Also called: Hereditary breast cancer; BREAST CANCER, FAMILIAL; hereditary breast carcinoma. Identifiers: Orphanet 227535, MedGen C0346153, MONDO:0016419, OMIM 114480. Disease mechanism: loss of function.

Submission:

Myriad Genetics, Inc.
Classification: Pathogenic for Familial cancer of breast. Last evaluated: 2023-07-18. Review status: criteria provided, single submitter. Criteria: Myriad Autosomal Dominant, Autosomal Recessive and X-Linked Classification Criteria (2023). Collection method: clinical testing. Allele origin: unknown.
Comment: This variant is considered pathogenic. This variant creates a frameshift predicted to result in premature protein truncation.

NM_000051.4(ATM):c.3526_3527del (p.Leu1176fs)

Gene: ATM (ATM serine/threonine kinase; plus strand). Cytogenetic location: 11q22.3.
Variant type: Deletion.
Coding change: c.3526_3527del on transcript NM_000051.4 (MANE Select); coding-DNA positions 3526 to 3527, 2 bases deleted (CT; older notation c.3526_3527delCT).
Protein change: p.Leu1176fs; shifts the reading frame from leucine 1176.
Molecular consequence: frameshift variant.
Genome position (GRCh38, 1-based): chr11:108,281,118-108,281,119, CT deleted. VCF-style (leftmost placement, unchanged base first): chr11-108281117-CCT-C. GRCh37 (hg19) VCF-style: chr11-108151844-CCT-C.
Other names: c.3526_3527del, p.Leu1176fs (NM_001351834.2); short protein forms L1176fs.
Identifiers: ClinVar variation 2673449 (VCV002673449.1), dbSNP rs2546871085, ClinGen allele CA2695198982.